The following is an entry in ClinVar:

NM_005559.4(LAMA1):c.6220G>T (p.Val2074Leu)

Gene: LAMA1 (laminin subunit alpha 1; minus strand). Cytogenetic location: 18p11.31.
Variant type: single nucleotide variant.
Coding change: c.6220G>T on transcript NM_005559.4 (MANE Select); coding-DNA position 6220, G replaced by T.
Protein change: p.Val2074Leu; replaces valine 2074 with leucine.
Molecular consequence: missense variant.
Genome position (GRCh38, 1-based): chr18:6,977,852, C>A on the plus strand (G>T on the coding strand, the complement: LAMA1 is on the minus strand). VCF-style: chr18-6977852-C-A. GRCh37 (hg19) VCF-style: chr18-6977851-C-A.
Other names: short protein forms V2074L.
Identifiers: ClinVar variation 2648545 (VCV002648545.25), dbSNP rs758250392, ClinGen allele CA8881305.

ClinVar aggregate classification (germline): Benign/Likely benign. Review status: criteria provided, multiple submitters, no conflicts (2 of 4 stars). 2 submissions from 2 submitters: Benign (1); Likely benign (1). Last evaluated 2024-02-29.

Allele frequency attached by ClinVar (database versions not stated): gnomAD 0.00008.
gnomAD v4.1: 126 of 1,613,482 alleles (0.0078%); highest among the groups gnomAD compares: East Asian, 0.28%; no homozygotes.

Submissions (2):

Blueprint Genetics
Classification: Benign. Last evaluated: 2024-02-29. Review status: criteria provided, single submitter. Criteria: ACMG Guidelines, 2015. Collection method: clinical testing. Allele origin: germline.

CeGaT Center for Human Genetics Tuebingen
Classification: Likely benign. Last evaluated: 2023-02-01. Review status: criteria provided, single submitter. Criteria: CeGaT Center For Human Genetics Tuebingen Variant Classification Criteria Version 2. Collection method: clinical testing. Allele origin: germline. Affected: yes. Observed: 1 variant allele.
Comment: LAMA1: BP4